The following is an entry in ClinVar:

NM_018127.7(ELAC2):c.1520+182dup

Gene: ELAC2 (elaC ribonuclease Z 2; minus strand). Cytogenetic location: 17p12.
Variant type: Duplication.
Coding change: c.1520+182dup on transcript NM_018127.7 (MANE Select); 182 bases into the intron after coding-DNA position 1520, one base duplicated (T; older notation c.1520+182dupT).
Molecular consequence: intron variant.
Genome position (GRCh38, 1-based): chr17:12,998,228, A duplicated on the plus strand (T on the coding strand, the reverse complement: ELAC2 is on the minus strand); the first of 3 consecutive A bases (chr17:12,998,228-12,998,230); duplicating any one gives the same sequence. VCF-style (leftmost placement, unchanged base first): chr17-12998227-T-TA. GRCh37 (hg19) VCF-style: chr17-12901544-T-TA.
Other names: c.1400+182dup (NM_001165962.2); c.1517+182dup (NM_173717.2).
Identifiers: ClinVar variation 674695 (VCV000674695.1), dbSNP rs11443554, ClinGen allele CA288078685.

ClinVar aggregate classification (germline): Benign (1 of 4 stars; one submission).

Submission:

GeneDx
Classification: Benign. Last evaluated: 2018-06-14. Review status: criteria provided, single submitter. Criteria: GeneDx Variant Classification (06012015). Collection method: clinical testing. Allele origin: germline. Affected: yes.
Comment: This variant is considered likely benign or benign based on one or more of the following criteria: it is a conservative change, it occurs at a poorly conserved position in the protein, it is predicted to be benign by multiple in silico algorithms, and/or has population frequency not consistent with disease.